The following is an entry in ClinVar:

ClinVar aggregate classification (germline): Likely benign. Review status: criteria provided, single submitter (1 of 4 stars). 2 submissions from 2 submitters: Likely benign (1). 1 of the submissions does not count toward it. Last evaluated 2024-08-31.

Conditions:
WNK4-related disorder. Also called: WNK4-related condition.

Allele frequency attached by ClinVar (database versions not stated): ExAC 0.00006; 1000 Genomes Project 0.00040; gnomAD exomes 0.00001; TOPMed 0.00002; gnomAD 0.00003; 1000 Genomes Project 30x 0.00047.
gnomAD v4.1: 16 of 1,613,852 alleles (0.00099%); highest among the groups gnomAD compares: East Asian, 0.033%; no homozygotes.

Submissions (2):

Labcorp Genetics (formerly Invitae), Labcorp
Classification: Likely benign. Last evaluated: 2024-08-31. Review status: criteria provided, single submitter. Criteria: Invitae Variant Classification Sherloc (09022015). Collection method: clinical testing. Allele origin: germline.

PreventionGenetics, part of Exact Sciences
Classification: Likely benign for WNK4-related condition. Last evaluated: 2021-06-22. Review status: no assertion criteria provided. Collection method: clinical testing. Allele origin: germline. Not counted in ClinVar's aggregate classification.
Comment: This variant is classified as likely benign based on ACMG/AMP sequence variant interpretation guidelines (Richards et al. 2015 PMID: 25741868, with internal and published modifications).

NM_032387.5(WNK4):c.2829C>T (p.Ser943=)

Gene: WNK4 (WNK lysine deficient protein kinase 4; plus strand). Cytogenetic location: 17q21.2.
Variant type: single nucleotide variant.
Coding change: c.2829C>T on transcript NM_032387.5 (MANE Select); coding-DNA position 2829, C replaced by T.
Protein change: p.Ser943=; no amino-acid change (serine 943 retained).
Molecular consequence: synonymous variant.
Genome position (GRCh38, 1-based): chr17:42,795,250, C>T. VCF-style: chr17-42795250-C-T. GRCh37 (hg19) VCF-style: chr17-40947268-C-T.
Other names: c.1821C>T, p.Ser607= (NM_001321299.2).
Identifiers: ClinVar variation 3058287 (VCV003058287.4), dbSNP rs570911752, ClinGen allele CA8584445.